The following is an entry in ClinVar:

NM_005751.5(AKAP9):c.2978G>A (p.Arg993Lys)

Gene: AKAP9 (A-kinase anchoring protein 9; plus strand). Cytogenetic location: 7q21.2.
Variant type: single nucleotide variant.
Coding change: c.2978G>A on transcript NM_005751.5 (MANE Select); coding-DNA position 2978, G replaced by A.
Protein change: p.Arg993Lys; replaces arginine 993 with lysine.
Molecular consequence: missense variant.
Genome position (GRCh38, 1-based): chr7:92,002,895, G>A. VCF-style: chr7-92002895-G-A. GRCh37 (hg19) VCF-style: chr7-91632209-G-A.
Other names: c.2978G>A, p.Arg993Lys (NM_147185.3); short protein forms R993K.
Identifiers: ClinVar variation 2191331 (VCV002191331.5), dbSNP rs777988488, ClinGen allele CA4336226.
Genomic context (GRCh38, chr7:92,002,895, plus strand): 5'-TTAGTTTTCTAAATGAAGAAGTTAAATCTTTAAAGCAAGAGAAAGAACAAGTTTCATTGA[G>A]ATGTAGAGAGCTAGAAATCATTATTAACCACAACAGGGCAGAAAATGTACAGTCATGTGA-3'
Protein context (NP_005742.4, residues 983-1003): LKQEKEQVSL[Arg993Lys]CRELEIIINH

ClinVar aggregate classification (germline): Uncertain significance. Review status: criteria provided, multiple submitters, no conflicts (2 of 4 stars). 2 submissions from 2 submitters: Uncertain significance (2). Last evaluated 2023-10-15.

Conditions:
Long QT syndrome (LQTS). Identifiers: MedGen C0023976, MeSH D008133, MONDO:0002442. Disease mechanism: loss of function. Inheritance: Various modes of inheritance.
Cardiovascular phenotype. Identifiers: MedGen CN230736.

Allele frequency attached by ClinVar (database versions not stated): gnomAD exomes below 0.00001; ExAC 0.00001; gnomAD 0.00001.
gnomAD v4.1: 7 of 1,612,268 alleles (0.00043%); highest among the groups gnomAD compares: Non-Finnish European, 0.00059%; no homozygotes.

Submissions (2):

Ambry Genetics
Classification: Uncertain significance for Cardiovascular phenotype. Last evaluated: 2023-10-15. Review status: criteria provided, single submitter. Criteria: Ambry Variant Classification Scheme 2023. Collection method: clinical testing. Allele origin: germline.
Comment: The p.R993K variant (also known as c.2978G>A), located in coding exon 8 of the AKAP9 gene, results from a G to A substitution at nucleotide position 2978. The arginine at codon 993 is replaced by lysine, an amino acid with highly similar properties. This amino acid position is conserved. In addition, this alteration is predicted to be tolerated by in silico analysis. Since supporting evidence is limited at this time, the clinical significance of this alteration remains unclear.

Labcorp Genetics (formerly Invitae), Labcorp
Classification: Uncertain significance for Long QT syndrome. Last evaluated: 2022-03-09. Review status: criteria provided, single submitter. Criteria: Invitae Variant Classification Sherloc (09022015). Collection method: clinical testing. Allele origin: germline.
Comment: This sequence change replaces arginine, which is basic and polar, with lysine, which is basic and polar, at codon 993 of the AKAP9 protein (p.Arg993Lys). In summary, the available evidence is currently insufficient to determine the role of this variant in disease. Therefore, it has been classified as a Variant of Uncertain Significance. Algorithms developed to predict the effect of missense changes on protein structure and function output the following: SIFT: "Tolerated"; PolyPhen-2: "Benign"; Align-GVGD: "Class C0". The lysine amino acid residue is found in multiple mammalian species, which suggests that this missense change does not adversely affect protein function. This variant has not been reported in the literature in individuals affected with AKAP9-related conditions. This variant is present in population databases (rs777988488, gnomAD 0.002%).